The following is an entry in ClinVar:

NM_001211.6(BUB1B):c.2530C>T (p.Leu844Phe)

Gene: BUB1B (BUB1 mitotic checkpoint serine/threonine kinase B; plus strand). Cytogenetic location: 15q15.1.
Variant type: single nucleotide variant.
Coding change: c.2530C>T on transcript NM_001211.6 (MANE Select); coding-DNA position 2530, C replaced by T.
Protein change: p.Leu844Phe; replaces leucine 844 with phenylalanine.
Molecular consequence: missense variant.
Genome position (GRCh38, 1-based): chr15:40,212,643, C>T. VCF-style: chr15-40212643-C-T. GRCh37 (hg19) VCF-style: chr15-40504844-C-T.
Other names: short protein forms L844F.
Identifiers: ClinVar variation 6761 (VCV000006761.14), dbSNP rs28989181, ClinGen allele CA118488.

ClinVar aggregate classification (germline): Uncertain significance. Review status: criteria provided, multiple submitters, no conflicts (2 of 4 stars). 4 submissions from 3 submitters: Uncertain significance (2). 2 of the submissions do not count toward it. Last evaluated 2025-07-27.

Conditions:
Colorectal cancer. Also called: Colorectal cancer, somatic; Malignant Colorectal Neoplasm. Identifiers: MedGen C0346629, MONDO:0005575, OMIM 114500.
Mosaic variegated aneuploidy syndrome 1 (MVA1). Also called: Warburton-Anyane-Yeboa syndrome. Identifiers: Orphanet 1052, MedGen C1850343, MONDO:0009759, OMIM 257300.
Premature chromatid separation trait (PCS). Also called: TOTAL PREMATURE CHROMATID SEPARATION TRAIT. Identifiers: MedGen C1864389, MONDO:0008304, OMIM 176430.

Allele frequency attached by ClinVar (database versions not stated): ExAC 0.00001; gnomAD exomes 0.00001; TOPMed 0.00001; gnomAD 0.00002.
gnomAD v4.1: 13 of 1,612,856 alleles (0.00081%); highest among the groups gnomAD compares: African/African-American, 0.0027%; no homozygotes.

Submissions (4):

Labcorp Genetics (formerly Invitae), Labcorp
Classification: Uncertain significance for Mosaic variegated aneuploidy syndrome 1. Last evaluated: 2025-07-27. Review status: criteria provided, single submitter. Criteria: Invitae Variant Classification Sherloc (09022015). Collection method: clinical testing. Allele origin: germline.
Comment: This sequence change replaces leucine, which is neutral and non-polar, with phenylalanine, which is neutral and non-polar, at codon 844 of the BUB1B protein (p.Leu844Phe). This variant is present in population databases (rs28989181, gnomAD 0.004%). This missense change has been observed in individual(s) with mosaic variegated aneuploidy (MVA) and embryonal rhabdomyosarcoma of the soft palate (PMID: 9916837, 15475955, 18548531). ClinVar contains an entry for this variant (Variation ID: 6761). An algorithm developed to predict the effect of missense changes on protein structure and function (PolyPhen-2) suggests that this variant is likely to be disruptive. Experimental studies have shown that this missense change affects BUB1B function (PMID: 20516114, 25502805). In summary, the available evidence is currently insufficient to determine the role of this variant in disease. Therefore, it has been classified as a Variant of Uncertain Significance.

Fulgent Genetics
Classification: Uncertain significance for Colorectal cancer; Premature chromatid separation trait; Mosaic variegated aneuploidy syndrome 1. Last evaluated: 2022-01-10. Review status: criteria provided, single submitter. Criteria: ACMG Guidelines, 2015. Collection method: clinical testing. Allele origin: unknown.

OMIM
Classification: Pathogenic for MOSAIC VARIEGATED ANEUPLOIDY SYNDROME 1. Last evaluated: 2004-11-01. Review status: no assertion criteria provided. Collection method: literature only. Allele origin: germline. Not counted in ClinVar's aggregate classification.

OMIM
Classification: Affects for PREMATURE CHROMATID SEPARATION TRAIT. Last evaluated: 2004-11-01. Review status: no assertion criteria provided. Collection method: literature only. Allele origin: germline. Not counted in ClinVar's aggregate classification.

Literature cited by the submitters: PubMed 9916837 (cited by Labcorp Genetics (formerly Invitae), Labcorp); PubMed 15475955 (cited by Labcorp Genetics (formerly Invitae), Labcorp and OMIM); PubMed 18548531 (cited by Labcorp Genetics (formerly Invitae), Labcorp); PubMed 20516114 (cited by Labcorp Genetics (formerly Invitae), Labcorp); PubMed 25502805 (cited by Labcorp Genetics (formerly Invitae), Labcorp).